The following is an entry in ClinVar:

NM_001128840.3(CACNA1D):c.6331G>A (p.Val2111Met)

Gene: CACNA1D (calcium voltage-gated channel subunit alpha1 D; plus strand). Cytogenetic location: 3p21.1.
Variant type: single nucleotide variant.
Coding change: c.6331G>A on transcript NM_001128840.3 (MANE Select); coding-DNA position 6331, G replaced by A.
Protein change: p.Val2111Met; replaces valine 2111 with methionine.
Molecular consequence: missense variant.
Genome position (GRCh38, 1-based): chr3:53,811,251, G>A. VCF-style: chr3-53811251-G-A. GRCh37 (hg19) VCF-style: chr3-53845278-G-A.
Other names: p.Val2131Met; c.6391G>A, p.Val2131Met (NM_000720.4); c.6259G>A, p.Val2087Met (NM_001128839.3); c.6391G>A (NM_000720.2, NM_000720.3); short protein forms V2087M, V2131M, V2111M.
Identifiers: ClinVar variation 1433145 (VCV001433145.13), dbSNP rs371604022, ClinGen allele CA2455427.

ClinVar aggregate classification (germline): Conflicting classifications of pathogenicity. Review status: criteria provided, conflicting classifications (1 of 4 stars). 6 submissions from 6 submitters: Uncertain significance (4); Likely benign (2). Last evaluated 2025-12-22.

Conditions:
Inborn genetic diseases. Identifiers: MedGen C0950123, MeSH D030342.
CACNA1D-related disorder.

Allele frequency attached by ClinVar (database versions not stated): gnomAD exomes 0.00002 and 0.00004; ExAC 0.00006; ESP Exome Variant Server 0.00008; gnomAD 0.00009; TOPMed 0.00009; 1000 Genomes Project 0.00020; 1000 Genomes Project 30x 0.00062.
gnomAD v4.1: 49 of 1,614,010 alleles (0.003%); highest among the groups gnomAD compares: African/African-American, 0.043%; no homozygotes.

Submissions (6):

Labcorp Genetics (formerly Invitae), Labcorp
Classification: Likely benign. Last evaluated: 2025-12-22. Review status: criteria provided, single submitter. Criteria: Invitae Variant Classification Sherloc (09022015). Collection method: clinical testing. Allele origin: germline.

Women's Health and Genetics/Laboratory Corporation of America, LabCorp
Classification: Uncertain significance. Last evaluated: 2025-07-22. Review status: criteria provided, single submitter. Criteria: LabCorp Variant Classification Summary - May 2015. Collection method: clinical testing. Allele origin: germline.
Comment: Variant summary: CACNA1D c.6391G>A (p.Val2131Met) results in a conservative amino acid change in the encoded protein sequence. Algorithms developed to predict the effect of missense changes on protein structure and function all suggest that this variant is likely to be tolerated. The variant allele was found at a frequency of 4e-05 in 251388 control chromosomes. This frequency is not significantly higher than estimated for a pathogenic variant in CACNA1D causing Sinoatrial Node Dysfunction And Deafness, allowing no conclusion about variant significance. To our knowledge, no occurrence of c.6391G>A in individuals affected with Sinoatrial Node Dysfunction And Deafness and no experimental evidence demonstrating its impact on protein function have been reported. ClinVar contains an entry for this variant (Variation ID: 1433145). Based on the evidence outlined above, the variant was classified as uncertain significance.

GeneDx
Classification: Uncertain significance. Last evaluated: 2025-04-28. Review status: criteria provided, single submitter. Criteria: GeneDx Variant Classification Process June 2021. Collection method: clinical testing. Allele origin: germline. Affected: yes.
Comment: In silico analysis indicates that this missense variant does not alter protein structure/function; Has not been previously published as pathogenic or benign to our knowledge

Ambry Genetics
Classification: Uncertain significance for Inborn genetic diseases. Last evaluated: 2025-04-17. Review status: criteria provided, single submitter. Criteria: Ambry Variant Classification Scheme 2023. Collection method: clinical testing. Allele origin: germline.

Mayo Clinic Laboratories, Mayo Clinic
Classification: Likely benign. Last evaluated: 2025-02-28. Review status: criteria provided, single submitter. Criteria: ACMG Guidelines, 2015. Collection method: clinical testing. Allele origin: germline. Observed: 1 variant allele.
Comment: BP4_moderate

PreventionGenetics, part of Exact Sciences
Classification: Uncertain significance for CACNA1D-related condition. Last evaluated: 2025-02-12. Review status: criteria provided, single submitter. Criteria: ACMG Guidelines, 2015. Collection method: clinical testing. Allele origin: germline.
Comment: The CACNA1D c.6391G>A variant is predicted to result in the amino acid substitution p.Val2131Met. To our knowledge, this variant has not been reported in the literature. This variant is reported in 0.036% of alleles in individuals of African descent in gnomAD. At this time, the clinical significance of this variant is uncertain due to the absence of conclusive functional and genetic evidence.